The following is an entry in ClinVar:

NM_000548.5(TSC2):c.1120-5dup

Gene: TSC2 (TSC complex subunit 2; plus strand). Cytogenetic location: 16p13.3.
Variant type: Duplication.
Coding change: c.1120-5dup on transcript NM_000548.5 (MANE Select); 5 bases into the intron before coding-DNA position 1120, one base duplicated (T; older notation c.1120-5dupT).
Molecular consequence: intron variant.
Genome position (GRCh38, 1-based): chr16:2,061,866, T duplicated. VCF-style (leftmost placement, unchanged base first): chr16-2061865-C-CT. GRCh37 (hg19) VCF-style: chr16-2111866-C-CT.
Other names: c.1120-5dupT (NM_000548.3); c.1120-5dup (NM_001114382.3, NM_021055.3, NM_001370405.1 and 3 more transcripts); c.1009-5dup (NM_001318827.2); c.520-5dup (NM_001318831.2); c.973-5dup (NM_001318829.2); c.1153-5dup (NM_001318832.2).
Identifiers: ClinVar variation 536022 (VCV000536022.12), dbSNP rs1555500983, ClinGen allele CA658798485.

ClinVar aggregate classification (germline): Likely benign. Review status: criteria provided, multiple submitters, no conflicts (2 of 4 stars). 2 submissions from 2 submitters: Likely benign (2). Last evaluated 2025-05-13.

Conditions:
Tuberous sclerosis 2 (TSC2). Identifiers: Orphanet 805, MedGen C1860707, MONDO:0013199, OMIM 613254.

Allele frequency attached by ClinVar (database versions not stated): TOPMed below 0.00001; gnomAD 0.00001.

Submissions (2):

Myriad Genetics, Inc.
Classification: Likely benign for Tuberous sclerosis 2. Last evaluated: 2025-05-13. Review status: criteria provided, single submitter. Criteria: Myriad Autosomal Dominant, Autosomal Recessive and X-Linked Classification Criteria (2023). Collection method: clinical testing. Allele origin: unknown.
Comment: This variant is considered likely benign. This variant is intronic and is not expected to impact mRNA splicing.

Labcorp Genetics (formerly Invitae), Labcorp
Classification: Likely benign for Tuberous sclerosis 2. Last evaluated: 2022-11-15. Review status: criteria provided, single submitter. Criteria: Invitae Variant Classification Sherloc (09022015). Collection method: clinical testing. Allele origin: germline.